The following is an entry in ClinVar:

ClinVar aggregate classification (germline): Uncertain significance (1 of 4 stars; one submission).

Conditions:
Hereditary cancer-predisposing syndrome. Also called: Neoplastic Syndromes, Hereditary; Tumor predisposition; Hereditary neoplastic syndrome; Hereditary Cancer Syndrome. Identifiers: Orphanet 140162, MedGen C0027672, MeSH D009386, MONDO:0015356.

Submission:

Ambry Genetics
Classification: Uncertain significance for Hereditary cancer-predisposing syndrome. Last evaluated: 2026-07-07. Review status: criteria provided, single submitter. Criteria: Ambry Variant Classification Scheme 2023. Collection method: clinical testing. Allele origin: germline.
Comment: The p.P219A variant (also known as c.655C>G), located in coding exon 5 of the CDH1 gene, results from a C to G substitution at nucleotide position 655. The proline at codon 219 is replaced by alanine, an amino acid with highly similar properties. This amino acid position is conserved. In addition, the in silico prediction for this alteration is inconclusive. Based on the available evidence, the clinical significance of this variant remains unclear.

NM_004360.5(CDH1):c.655C>G (p.Pro219Ala)

Gene: CDH1 (cadherin 1; plus strand). Cytogenetic location: 16q22.1.
Variant type: single nucleotide variant.
Coding change: c.655C>G on transcript NM_004360.5 (MANE Select); coding-DNA position 655, C replaced by G.
Protein change: p.Pro219Ala; replaces proline 219 with alanine.
Molecular consequence: missense variant. On other transcripts: 5 prime UTR variant (2).
Genome position (GRCh38, 1-based): chr16:68,808,816, C>G. VCF-style: chr16-68808816-C-G. GRCh37 (hg19) VCF-style: chr16-68842719-C-G.
Other names: c.655C>G, p.Pro219Ala (NM_001317184.2); c.-961C>G (NM_001317185.2); c.-1165C>G (NM_001317186.2); short protein forms P219A.
Identifiers: ClinVar variation 5033992 (VCV005033992.1).